The following is an entry in ClinVar:

NM_007107.5(SSR3):c.329G>A (p.Arg110Lys)

Gene: SSR3 (signal sequence receptor subunit 3; minus strand). Cytogenetic location: 3q25.31.
Variant type: single nucleotide variant.
Coding change: c.329G>A on transcript NM_007107.5 (MANE Select); coding-DNA position 329, G replaced by A.
Protein change: p.Arg110Lys; replaces arginine 110 with lysine.
Molecular consequence: missense variant.
Genome position (GRCh38, 1-based): chr3:156,548,935, C>T on the plus strand (G>A on the coding strand, the complement: SSR3 is on the minus strand). VCF-style: chr3-156548935-C-T. GRCh37 (hg19) VCF-style: chr3-156266724-C-T.
Other names: c.329G>A, p.Arg110Lys (NM_001308197.2); c.173G>A, p.Arg58Lys (NM_001308204.2, NM_001308205.2); short protein forms R110K, R58K.
Identifiers: ClinVar variation 2171056 (VCV002171056.4), dbSNP rs554757087, ClinGen allele CA2678592.

ClinVar aggregate classification (germline): Uncertain significance (1 of 4 stars; one submission).

Allele frequency attached by ClinVar (database versions not stated): TOPMed 0.00004; gnomAD 0.00007; gnomAD exomes 0.00012; 1000 Genomes Project 0.00020; ExAC 0.00025; 1000 Genomes Project 30x 0.00047.

Submission:

Labcorp Genetics (formerly Invitae), Labcorp
Classification: Uncertain significance. Last evaluated: 2023-12-07. Review status: criteria provided, single submitter. Criteria: Invitae Variant Classification Sherloc (09022015). Collection method: clinical testing. Allele origin: germline.
Comment: This sequence change replaces arginine, which is basic and polar, with lysine, which is basic and polar, at codon 110 of the SSR3 protein (p.Arg110Lys). This variant is present in population databases (rs554757087, gnomAD 0.2%), and has an allele count higher than expected for a pathogenic variant. This variant has not been reported in the literature in individuals affected with SSR3-related conditions. ClinVar contains an entry for this variant (Variation ID: 2171056). An algorithm developed to predict the effect of missense changes on protein structure and function (PolyPhen-2) suggests that this variant is likely to be tolerated. In summary, the available evidence is currently insufficient to determine the role of this variant in disease. Therefore, it has been classified as a Variant of Uncertain Significance.